The following is an entry in ClinVar:

ClinVar aggregate classification (germline): Pathogenic (1 of 4 stars; one submission).

Submission:

GeneDx
Classification: Pathogenic. Last evaluated: 2016-03-02. Review status: criteria provided, single submitter. Criteria: GeneDx Variant Classification (06012015). Collection method: clinical testing. Allele origin: germline. Affected: yes.
Comment: The c.210+1G>C pathogenic variant in the FOXP3 gene has been reported previously in an individual with an atypical presentation of IPEX syndrome. This splice site variant destroys the canonical splice donor site in intron 2. It is predicted to cause abnormal gene splicing, either leading to an abnormal message that is subject to nonsense-mediated mRNA decay, or to an abnormal protein product if the message is used for protein translation. The c.210+1G>C variant was not observed in approximately 5,500 individuals of European and African American ancestry in the NHLBI Exome Sequencing Project, indicating it is not a common benign variant in these populations. We interpret c.210+1G>C as a pathogenic variant.

NM_014009.4(FOXP3):c.210+1G>C

Gene: FOXP3 (forkhead box P3; minus strand). Cytogenetic location: Xp11.23.
Variant type: single nucleotide variant.
Coding change: c.210+1G>C on transcript NM_014009.4 (MANE Select); the canonical splice donor site of the intron after coding-DNA position 210, G replaced by C.
Molecular consequence: splice donor variant.
Genome position (GRCh38, 1-based): chrX:49,258,295, C>G on the plus strand (G>C on the coding strand, the complement: FOXP3 is on the minus strand). VCF-style: chrX-49258295-C-G. GRCh37 (hg19) VCF-style: chrX-49114752-C-G.
Other names: c.210+1G>C (NM_001114377.2).
Identifiers: ClinVar variation 280381 (VCV000280381.2), dbSNP rs886041596, ClinGen allele CA10603490.